The following is an entry in ClinVar:

NM_014991.6(WDFY3):c.4393C>T (p.Arg1465Cys)

Gene: WDFY3 (WD repeat and FYVE domain containing 3; minus strand). Cytogenetic location: 4q21.23.
Variant type: single nucleotide variant.
Coding change: c.4393C>T on transcript NM_014991.6 (MANE Select); coding-DNA position 4393, C replaced by T.
Protein change: p.Arg1465Cys; replaces arginine 1465 with cysteine.
Molecular consequence: missense variant.
Genome position (GRCh38, 1-based): chr4:84,778,628, G>A on the plus strand (C>T on the coding strand, the complement: WDFY3 is on the minus strand). VCF-style: chr4-84778628-G-A. GRCh37 (hg19) VCF-style: chr4-85699781-G-A.
Other names: short protein forms R1465C.
Identifiers: ClinVar variation 3766208 (VCV003766208.1).

ClinVar aggregate classification (germline): Uncertain significance (1 of 4 stars; one submission).

gnomAD v4.1: 2 of 1,609,814 alleles (0.00012%); highest among the groups gnomAD compares: Non-Finnish European, 0.00017%; no homozygotes.

Submission:

GeneDx
Classification: Uncertain significance. Last evaluated: 2024-08-28. Review status: criteria provided, single submitter. Criteria: GeneDx Variant Classification Process June 2021. Collection method: clinical testing. Allele origin: germline. Affected: yes.
Comment: Not observed at significant frequency in large population cohorts (gnomAD); In silico analysis indicates that this missense variant does not alter protein structure/function; Has not been previously published as pathogenic or benign to our knowledge; In silico analysis suggests this variant may impact gene splicing. In the absence of RNA/functional studies, the actual effect of this sequence change is unknown.